The following is an entry in ClinVar:

NM_003982.4(SLC7A7):c.998+113T>A

Gene: SLC7A7 (solute carrier family 7 member 7; minus strand). Cytogenetic location: 14q11.2.
Variant type: single nucleotide variant.
Coding change: c.998+113T>A on transcript NM_003982.4 (MANE Select); 113 bases into the intron after coding-DNA position 998, T replaced by A.
Molecular consequence: intron variant.
Genome position (GRCh38, 1-based): chr14:22,775,720, A>T on the plus strand (T>A on the coding strand, the complement: SLC7A7 is on the minus strand). VCF-style: chr14-22775720-A-T. GRCh37 (hg19) VCF-style: chr14-23244929-A-T.
Other names: c.998+113T>A (NM_001126106.4, NM_001126105.3).
Identifiers: ClinVar variation 1292166 (VCV001292166.5), dbSNP rs3751485, ClinGen allele CA13987361.

ClinVar aggregate classification (germline): Benign. Review status: criteria provided, multiple submitters, no conflicts (2 of 4 stars). 3 submissions from 3 submitters: Benign (3). Last evaluated 2024-01-24.

Allele frequency attached by ClinVar (database versions not stated): gnomAD 0.21657 and 0.21050; TOPMed 0.22626; 1000 Genomes Project 30x 0.23969; 1000 Genomes Project 0.24181; gnomAD exomes 0.26233.
gnomAD v4.1: 239,931 of 941,688 alleles (25%); highest among the groups gnomAD compares: Admixed American, 46%; 34,249 homozygotes.

Submissions (3):

Unidad de Genómica Garrahan, Hospital de Pediatría Garrahan
Classification: Benign. Last evaluated: 2024-01-24. Review status: criteria provided, single submitter. Criteria: ACMG Guidelines, 2015. Collection method: clinical testing. Allele origin: germline. Affected: no. Observed: 53 variant alleles.
Comment: This variant is classified as Benign based on local population frequency. This variant was detected in 56% of patients studied by a panel of primary immunodeficiencies. Number of patients: 53. Only high quality variants are reported.

GeneDx
Classification: Benign. Last evaluated: 2018-06-23. Review status: criteria provided, single submitter. Criteria: GeneDx Variant Classification Process June 2021. Collection method: clinical testing. Allele origin: germline. Affected: yes.

Breakthrough Genomics
Classification: Benign. Review status: criteria provided, single submitter. Criteria: ACMG Guidelines, 2015. Collection method: not provided. Allele origin: germline. Inheritance: Autosomal recessive inheritance. Affected: yes.